The following is an entry in ClinVar:

NM_006648.4(WNK2):c.3245G>A (p.Ser1082Asn)

Gene: WNK2 (WNK lysine deficient protein kinase 2; plus strand). Cytogenetic location: 9q22.31.
Variant type: single nucleotide variant.
Coding change: c.3245G>A on transcript NM_006648.4 (MANE Select); coding-DNA position 3245, G replaced by A.
Protein change: p.Ser1082Asn; replaces serine 1082 with asparagine.
Molecular consequence: missense variant.
Genome position (GRCh38, 1-based): chr9:93,261,992, G>A. VCF-style: chr9-93261992-G-A. GRCh37 (hg19) VCF-style: chr9-96024274-G-A.
Other names: c.3245G>A, p.Ser1082Asn (NM_001282394.3); short protein forms S1082N.
Identifiers: ClinVar variation 2260578 (VCV002260578.3), dbSNP rs2540202896, ClinGen allele CA374060402.

ClinVar aggregate classification (germline): Uncertain significance (1 of 4 stars; one submission).

Submission:

Ambry Genetics
Classification: Uncertain significance. Last evaluated: 2024-11-26. Review status: criteria provided, single submitter. Criteria: Ambry Variant Classification Scheme 2023. Collection method: clinical testing. Allele origin: germline.
Comment: The p.S1082N variant (also known as c.3245G>A), located in coding exon 12 of the WNK2 gene, results from a G to A substitution at nucleotide position 3245. The serine at codon 1082 is replaced by asparagine, an amino acid with highly similar properties. This amino acid position is conserved. In addition, this alteration is predicted to be tolerated by in silico analysis. Based on the available evidence, the clinical significance of this variant remains unclear.